The following is an entry in ClinVar:

ClinVar aggregate classification (germline): Conflicting classifications of pathogenicity. Review status: criteria provided, conflicting classifications (1 of 4 stars). 4 submissions from 4 submitters: Likely pathogenic (1); Likely risk allele (1); Uncertain significance (2). Last evaluated 2026-06-25.

Conditions:
MC3R-related disorder. Also called: MC3R-related condition.
OBESITY (BMIQ9), SUSCEPTIBILITY TO (BMIQ9). Also called: BODY MASS INDEX QUANTITATIVE TRAIT LOCUS 9. Identifiers: Orphanet 217031, MedGen C2677162, OMIM 602025.

Submissions (4):

PreventionGenetics, part of Exact Sciences
Classification: Uncertain significance for MC3R-related condition. Last evaluated: 2026-06-25. Review status: criteria provided, single submitter. Criteria: ACMG Guidelines, 2015. Collection method: clinical testing. Allele origin: germline.
Comment: The MC3R c.892_893delinsTC variant is predicted to result in an in-frame deletion and insertion. This variant was reported in individuals with obesity (described as I335S in Table 1, Tao et al. 2007. PubMed ID: 17964765; Zheng et al. 2023. PubMed ID: 37369769). The p.Ile298Ser alternation was also documented in additional obese individuals (Mencarelli et al. 2008. PubMed ID: 18231126; Mencarelli et al. 2011. PubMed ID: 21047972). Functional studies suggested that the p.Ile298Ser substitution results in intracellular retention, altered cAMP signaling upon α-MSH stimulation, and loss of ligand binding (Tao et al. 2007. PubMed ID: 17964765; Mencarelli et al. 2008. PubMed ID: 18231126; Yang et al. 2015. PubMed ID: 25798062). In gnomAD, this variant is documented separately as two variants, c.892A>T and c.893T>C, and the two variants are reported to be on the same allele in 37 heterozygous individuals. At this time, the clinical significance of the c.892_893delinsTC (p.Ile298Ser) variant is uncertain.

Department of Human Genetics, University Hospital Bern, Inselspital
Classification: Likely risk allele for OBESITY (BMIQ9), SUSCEPTIBILITY TO. Last evaluated: 2025-12-31. Review status: criteria provided, single submitter. Criteria: ClinGen Low Penetrance/Risk Allele, 2024. Collection method: clinical testing. Allele origin: unknown. Inheritance: Autosomal dominant inheritance. Affected: yes. Observed: 1 heterozygote.
Comment: Pathogenic variants in the MC3R gene, which encodes the melanocortin-3 receptor, are associated with an increased susceptibility to obesity (OMIM 602025; PMID: 31090190). A large meta-analysis demonstrated that rare partial or complete loss-of-function variants in the coding region of MC3R are associated with an approximately threefold increased risk of obesity (PMID: 31090190). The reported delins variant is classified as a likely risk allele according to the criteria of the ClinGen Low Penetrance/Risk Allele Working Group. In the literature, this variant is frequently described as two separate variants (c.893T>C and c.892A>T). In the population database gnomAD v4.1, the variants c.893T>C and c.892A>T are listed with identical allele frequencies of 0.012% each, suggesting that they represent the delins variant reported here. This variant has been repeatedly reported in the literature in patients with obesity (PMID: 35574020, 37369769, 21047972, among others). It affects a highly conserved amino acid residue. Furthermore, functional studies indicate that this variant impairs several key aspects of MC3R function, including cell surface expression, ligand binding, and signal transduction (PMID: 17964765, 18231126).

Labcorp Genetics (formerly Invitae), Labcorp
Classification: Uncertain significance. Last evaluated: 2025-10-08. Review status: criteria provided, single submitter. Criteria: Invitae Variant Classification Sherloc (09022015). Collection method: clinical testing. Allele origin: germline.
Comment: This sequence change replaces isoleucine, which is neutral and non-polar, with serine, which is neutral and polar, at codon 298 of the MC3R protein (p.Ile298Ser). This variant is present in population databases (no rsID available, gnomAD 0.01%). This missense change has been observed in individual(s) with MC3R-related conditions (PMID: 17964765, 21047972, 35574020, 37369769). This variant is also known as I335S. ClinVar contains an entry for this variant (Variation ID: 1448476). An algorithm developed to predict the effect of missense changes on protein structure and function (PolyPhen-2) suggests that this variant is likely to be disruptive. Experimental studies have shown that this missense change affects MC3R function (PMID: 17964765, 21047972, 25798062). In summary, the available evidence is currently insufficient to determine the role of this variant in disease. Therefore, it has been classified as a Variant of Uncertain Significance.

CeGaT Center for Human Genetics Tuebingen
Classification: Likely pathogenic. Last evaluated: 2019-06-01. Review status: criteria provided, single submitter. Criteria: CeGaT Center For Human Genetics Tuebingen Variant Classification Criteria Version 2. Collection method: clinical testing. Allele origin: germline. Affected: yes. Observed: 2 variant alleles.

Literature cited by the submitters: PubMed 31090190 (cited by Department of Human Genetics, University Hospital Bern, Inselspital); PubMed 35574020 (cited by Department of Human Genetics, University Hospital Bern, Inselspital and Labcorp Genetics (formerly Invitae), Labcorp); PubMed 37369769 (cited by Department of Human Genetics, University Hospital Bern, Inselspital and Labcorp Genetics (formerly Invitae), Labcorp); PubMed 21047972 (cited by Department of Human Genetics, University Hospital Bern, Inselspital and Labcorp Genetics (formerly Invitae), Labcorp); PubMed 17964765 (cited by Department of Human Genetics, University Hospital Bern, Inselspital and Labcorp Genetics (formerly Invitae), Labcorp); PubMed 18231126 (cited by Department of Human Genetics, University Hospital Bern, Inselspital); PubMed 25798062 (cited by Labcorp Genetics (formerly Invitae), Labcorp).

NM_019888.3(MC3R):c.892_893delinsTC (p.Ile298Ser)

Gene: MC3R (melanocortin 3 receptor; plus strand). Cytogenetic location: 20q13.2.
Variant type: Indel.
Coding change: c.892_893delinsTC on transcript NM_019888.3 (MANE Select); coding-DNA positions 892 to 893, AT replaced by TC.
Protein change: p.Ile298Ser; replaces isoleucine 298 with serine.
Molecular consequence: missense variant.
Genome position (GRCh38, 1-based): chr20:56,249,735-56,249,736, AT replaced by TC. VCF-style: chr20-56249735-AT-TC. GRCh37 (hg19) VCF-style: chr20-54824791-AT-TC.
Other names: short protein forms I298S.
Identifiers: ClinVar variation 1448476 (VCV001448476.38), dbSNP rs2146061616, ClinGen allele CA2573157152.